The following is an entry in ClinVar:

NM_001348716.2(KDM6B):c.4743G>T (p.Glu1581Asp)

Gene: KDM6B (lysine demethylase 6B; plus strand). Cytogenetic location: 17p13.1.
Variant type: single nucleotide variant.
Coding change: c.4743G>T on transcript NM_001348716.2 (MANE Select); coding-DNA position 4743, G replaced by T.
Protein change: p.Glu1581Asp; replaces glutamic acid 1581 with aspartic acid.
Molecular consequence: missense variant.
Genome position (GRCh38, 1-based): chr17:7,853,215, G>T. VCF-style: chr17-7853215-G-T. GRCh37 (hg19) VCF-style: chr17-7756533-G-T.
Other names: c.4743G>T, p.Glu1581Asp (NM_001080424.2); short protein forms E1581D.
Identifiers: ClinVar variation 2820630 (VCV002820630.3), dbSNP rs2078738503, ClinGen allele CA397928515.

ClinVar aggregate classification (germline): Uncertain significance (1 of 4 stars; one submission).

Submission:

Labcorp Genetics (formerly Invitae), Labcorp
Classification: Uncertain significance. Last evaluated: 2022-12-14. Review status: criteria provided, single submitter. Criteria: Invitae Variant Classification Sherloc (09022015). Collection method: clinical testing. Allele origin: germline.
Comment: This variant is not present in population databases (gnomAD no frequency). In summary, the available evidence is currently insufficient to determine the role of this variant in disease. Therefore, it has been classified as a Variant of Uncertain Significance. Experimental studies and prediction algorithms are not available or were not evaluated, and the functional significance of this variant is currently unknown. This variant has not been reported in the literature in individuals affected with KDM6B-related conditions. This sequence change replaces glutamic acid, which is acidic and polar, with aspartic acid, which is acidic and polar, at codon 1581 of the KDM6B protein (p.Glu1581Asp).